The following is an entry in ClinVar:

NM_003482.4(KMT2D):c.12889T>G (p.Ser4297Ala)

Gene: KMT2D (lysine methyltransferase 2D; minus strand). Cytogenetic location: 12q13.12.
Variant type: single nucleotide variant.
Coding change: c.12889T>G on transcript NM_003482.4 (MANE Select); coding-DNA position 12889, T replaced by G.
Protein change: p.Ser4297Ala; replaces serine 4297 with alanine.
Molecular consequence: missense variant.
Genome position (GRCh38, 1-based): chr12:49,031,816, A>C on the plus strand (T>G on the coding strand, the complement: KMT2D is on the minus strand). VCF-style: chr12-49031816-A-C. GRCh37 (hg19) VCF-style: chr12-49425599-A-C.
Other names: short protein forms S4297A.
Identifiers: ClinVar variation 3667643 (VCV003667643.2).
Genomic context (GRCh38, chr12:49,031,816, plus strand): 5'-GCTCTTGAGGGCTGGATGGTGGAGGTGTGGGATGGACAGGGCCAAGGACTGGTCCTGTAG[A>C]TAAGGCTCCTGGTGGGGCAGGGAGCCGGGGTGGGCCCTGAGGTCGAGGCCCTGCCCCTAG-3'
Protein context (NP_003473.3, residues 4287-4307): PRLPAPPGAL[Ser4297Ala]TGPVLGPVHP

ClinVar aggregate classification (germline): Uncertain significance (1 of 4 stars; one submission).

Conditions:
Kabuki syndrome. Also called: Kabuki make-up syndrome; NIIKAWA-KUROKI SYNDROME. Identifiers: Orphanet 2322, MedGen C0796004, MONDO:0016512.

Submission:

Labcorp Genetics (formerly Invitae), Labcorp
Classification: Uncertain significance for Kabuki syndrome. Last evaluated: 2024-08-18. Review status: criteria provided, single submitter. Criteria: Invitae Variant Classification Sherloc (09022015). Collection method: clinical testing. Allele origin: germline.
Comment: This sequence change replaces serine, which is neutral and polar, with alanine, which is neutral and non-polar, at codon 4297 of the KMT2D protein (p.Ser4297Ala). This variant is not present in population databases (gnomAD no frequency). This variant has not been reported in the literature in individuals affected with KMT2D-related conditions. Invitae Evidence Modeling of protein sequence and biophysical properties (such as structural, functional, and spatial information, amino acid conservation, physicochemical variation, residue mobility, and thermodynamic stability) indicates that this missense variant is not expected to disrupt KMT2D protein function with a negative predictive value of 95%. In summary, the available evidence is currently insufficient to determine the role of this variant in disease. Therefore, it has been classified as a Variant of Uncertain Significance.